The following is an entry in ClinVar:

NM_004415.4(DSP):c.6907G>C (p.Asp2303His)

Gene: DSP (desmoplakin; plus strand). Cytogenetic location: 6p24.3.
Variant type: single nucleotide variant.
Coding change: c.6907G>C on transcript NM_004415.4 (MANE Select); coding-DNA position 6907, G replaced by C.
Protein change: p.Asp2303His; replaces aspartic acid 2303 with histidine.
Molecular consequence: missense variant.
Genome position (GRCh38, 1-based): chr6:7,584,169, G>C. VCF-style: chr6-7584169-G-C. GRCh37 (hg19) VCF-style: chr6-7584402-G-C.
Other names: p.D2303H:GAT>CAT; c.6907G>C (LRG_423t1); c.5110G>C, p.Asp1704His (NM_001008844.3); c.5578G>C, p.Asp1860His (NM_001319034.2); short protein forms D2303H, D1704H, D1860H.
Identifiers: ClinVar variation 199906 (VCV000199906.2), dbSNP rs794728131, ClinGen allele CA007083.

ClinVar aggregate classification (germline): Likely pathogenic (1 of 4 stars; one submission).

Submission:

GeneDx
Classification: Likely pathogenic. Last evaluated: 2014-07-28. Review status: criteria provided, single submitter. Criteria: GeneDx Variant Classification (06012015). Collection method: clinical testing. Allele origin: germline. Affected: yes.
Comment: p.Asp2303His (GAT>CAT): c.6907 G>C in exon 24 of the DSP gene (NM_004415.2). D2303H has not been published as a mutation, nor has it been reported as a benign polymorphism to our knowledge. The D2303H variant was not observed in approximately 6,500 individuals of European and African American ancestry in the NHLBI Exome Sequencing Project, indicating it is not a common benign variant in these populations. The D2303H variant is a non-conservative amino acid substitution, which is likely to impact secondary protein structure as these residues differ in polarity, charge, size and/or other properties. This substitution occurs at a position that is conserved across species. In silico analysis predicts this variant is probably damaging to the protein structure/function. Furthermore, a missense mutations in nearby residue (A2294G) has been reported in association with DCM, supporting the functional importance of this region of the protein.Therefore, this variant is a strong candidate for a pathogenic mutation, however the possibility that it is a benign variant cannot be excluded. The variant is found in ARRHYTHMIA panel(s).